The following is an entry in ClinVar:

ClinVar aggregate classification (germline): Uncertain significance. Review status: criteria provided, multiple submitters, no conflicts (2 of 4 stars). 3 submissions from 3 submitters: Uncertain significance (2). 1 of the submissions does not count toward it. Last evaluated 2025-12-15.

Conditions:
Arginase deficiency. Also called: ARGININEMIA; ARG1 DEFICIENCY; Arginase 1 Deficiency. Identifiers: Orphanet 90, MedGen C0268548, MONDO:0008814, OMIM 207800.

Submissions (3):

Myriad Genetics, Inc.
Classification: Uncertain significance for Arginase deficiency. Last evaluated: 2025-12-15. Review status: criteria provided, single submitter. Criteria: Myriad Autosomal Dominant, Autosomal Recessive and X-Linked Classification Criteria (2023). Collection method: clinical testing. Allele origin: unknown.
Comment: NM_000045.3(ARG1):c.767_769delAAG(E256del) is an in-frame deletion classified as a variant of uncertain significance in the context of argininemia. E256del has been observed in a case with relevant disease (PMID: 39519275). Relevant functional assessments of this variant are not available in the literature. E256del has been observed in referenced population frequency databases. In summary, there is insufficient evidence to classify NM_000045.3(ARG1):c.767_769delAAG(E256del) as pathogenic or benign. Please note: this variant was assessed in the context of healthy population screening.

Labcorp Genetics (formerly Invitae), Labcorp
Classification: Uncertain significance for Arginase deficiency. Last evaluated: 2024-02-17. Review status: criteria provided, single submitter. Criteria: Invitae Variant Classification Sherloc (09022015). Collection method: clinical testing. Allele origin: germline.
Comment: This variant, c.767_769del, results in the deletion of 1 amino acid(s) of the ARG1 protein (p.Glu256del), but otherwise preserves the integrity of the reading frame. This variant is not present in population databases (gnomAD no frequency). This variant has not been reported in the literature in individuals affected with ARG1-related conditions. ClinVar contains an entry for this variant (Variation ID: 551012). Experimental studies and prediction algorithms are not available or were not evaluated, and the functional significance of this variant is currently unknown. In summary, the available evidence is currently insufficient to determine the role of this variant in disease. Therefore, it has been classified as a Variant of Uncertain Significance.

Counsyl
Classification: Uncertain significance for Arginase deficiency. Last evaluated: 2017-03-08. Review status: no assertion criteria provided. Collection method: clinical testing. Allele origin: unknown. Not counted in ClinVar's aggregate classification.

Literature cited by the submitters: PubMed 39519275 (cited by Myriad Genetics, Inc.).

NM_000045.4(ARG1):c.767_769del (p.Glu256del)

Genes: ARG1 (arginase 1; plus strand), MED23 (mediator complex subunit 23; minus strand). Cytogenetic location: 6q23.2.
Variant type: Deletion.
Coding change: c.767_769del on transcript NM_000045.4 (MANE Select); coding-DNA positions 767 to 769, 3 bases deleted (AAG; older notation c.767_769delAAG).
Protein change: p.Glu256del; deletes glutamic acid 256.
Molecular consequence: inframe deletion. On other transcripts: non-coding transcript variant (1), intron variant (2).
Genome position (GRCh38, 1-based): chr6:131,583,456-131,583,458, AAG deleted; deleting any 3 consecutive bases within chr6:131,583,454-131,583,458 gives the same sequence; the c. name uses the placement nearest the transcript's 3' end. VCF-style (leftmost placement, unchanged base first): chr6-131583453-GAGA-G. GRCh37 (hg19) VCF-style: chr6-131904593-GAGA-G.
Other names: c.791_793del, p.Glu264del (NM_001244438.2); c.512_514del, p.Glu171del (NM_001369020.1); c.4077+4253_4077+4255del (NM_001270521.2); c.4095+4253_4095+4255del (NM_015979.4); short protein forms E256del, E171del, E264del.
Identifiers: ClinVar variation 551012 (VCV000551012.8), dbSNP rs1554251236, ClinGen allele CA658821328.